The following is an entry in ClinVar:

ClinVar aggregate classification (germline): Conflicting classifications of pathogenicity. Review status: criteria provided, conflicting classifications (1 of 4 stars). 5 submissions from 5 submitters: Uncertain significance (2); Likely benign (2). 1 of the submissions does not count toward it. Last evaluated 2026-05-12.

Conditions:
RASopathy. Also called: rasopathies; Noonan spectrum disorder. Identifiers: Orphanet 536391, MedGen C5555857, MONDO:0021060.
Cardiovascular phenotype. Identifiers: MedGen CN230736.
Noonan syndrome (NS). Also called: Noonan's syndrome. Identifiers: Orphanet 648, MedGen C0028326, MeSH D009634, MONDO:0018997. Disease mechanism: gain of function.

Allele frequency attached by ClinVar (database versions not stated): TOPMed 0.00009; gnomAD 0.00004; gnomAD exomes 0.00004 and 0.00001; ESP Exome Variant Server 0.00023; 1000 Genomes Project 30x 0.00047; ExAC 0.00003; 1000 Genomes Project 0.00040.
gnomAD v4.1: 21 of 1,614,202 alleles (0.0013%); highest among the groups gnomAD compares: African/African-American, 0.012%; no homozygotes.

Submissions (5):

Women's Health and Genetics/Laboratory Corporation of America, LabCorp
Classification: Uncertain significance. Last evaluated: 2026-05-12. Review status: criteria provided, single submitter. Criteria: LabCorp Variant Classification Summary - May 2015. Collection method: clinical testing. Allele origin: germline.

Labcorp Genetics (formerly Invitae), Labcorp
Classification: Likely benign for RASopathy. Last evaluated: 2026-01-21. Review status: criteria provided, single submitter. Criteria: Invitae Variant Classification Sherloc (09022015). Collection method: clinical testing. Allele origin: germline.

Ambry Genetics
Classification: Likely benign for Cardiovascular phenotype. Last evaluated: 2019-09-26. Review status: criteria provided, single submitter. Criteria: Ambry Variant Classification Scheme 2023. Collection method: clinical testing. Allele origin: germline.

GeneDx
Classification: Uncertain significance. Last evaluated: 2019-08-30. Review status: criteria provided, single submitter. Criteria: GeneDx Variant Classification Process June 2021. Collection method: clinical testing. Allele origin: germline. Affected: yes.
Comment: Has not been previously published as pathogenic or benign to our knowledge; Reported in ClinVar as a variant of uncertain significance (ClinVar Variant ID# 263589; Landrum et al., 2016); In silico analysis, which includes protein predictors and evolutionary conservation, supports that this variant does not alter protein structure/function

Service de Génétique Moléculaire, Hôpital Robert Debré
Classification: Likely benign for Noonan syndrome. Review status: no assertion criteria provided. Collection method: clinical testing. Allele origin: maternal. Affected: no. Not counted in ClinVar's aggregate classification.

NM_002880.4(RAF1):c.853A>G (p.Ser285Gly)

Gene: RAF1 (Raf-1 proto-oncogene, serine/threonine kinase; minus strand). Cytogenetic location: 3p25.2.
Variant type: single nucleotide variant.
Coding change: c.853A>G on transcript NM_002880.4 (MANE Select); coding-DNA position 853, A replaced by G.
Protein change: p.Ser285Gly; replaces serine 285 with glycine.
Molecular consequence: missense variant. On other transcripts: non-coding transcript variant (3).
Genome position (GRCh38, 1-based): chr3:12,600,397, T>C on the plus strand (A>G on the coding strand, the complement: RAF1 is on the minus strand). VCF-style: chr3-12600397-T-C. GRCh37 (hg19) VCF-style: chr3-12641896-T-C.
Other names: c.913A>G, p.Ser305Gly (NM_001354689.3); c.853A>G, p.Ser285Gly (NM_001354690.3); c.610A>G, p.Ser204Gly (NM_001354691.3, NM_001354692.3); c.754A>G, p.Ser252Gly (NM_001354693.3); c.670A>G, p.Ser224Gly (NM_001354694.3); c.511A>G, p.Ser171Gly (NM_001354695.3); short protein forms S285G, S224G, S305G, S171G, S252G, S204G.
Identifiers: ClinVar variation 263589 (VCV000263589.20), dbSNP rs150054973, ClinGen allele CA2259660.